The following is an entry in ClinVar:

NM_001199138.2(NLRC4):c.1333T>C (p.Ser445Pro)

Gene: NLRC4 (NLR family CARD domain containing 4; minus strand). Cytogenetic location: 2p22.3.
Variant type: single nucleotide variant.
Coding change: c.1333T>C on transcript NM_001199138.2 (MANE Select); coding-DNA position 1333, T replaced by C.
Protein change: p.Ser445Pro; replaces serine 445 with proline.
Molecular consequence: missense variant. On other transcripts: intron variant (1).
Genome position (GRCh38, 1-based): chr2:32,250,531, A>G on the plus strand (T>C on the coding strand, the complement: NLRC4 is on the minus strand). VCF-style: chr2-32250531-A-G. GRCh37 (hg19) VCF-style: chr2-32475600-A-G.
Other names: c.1333T>C, p.Ser445Pro (NM_001199139.2, NM_021209.5); c.262+1888T>C (NM_001302504.1); short protein forms S445P.
Identifiers: ClinVar variation 1804623 (VCV001804623.3), dbSNP rs2466760157, ClinGen allele CA346512691.
Genomic context (GRCh38, chr2:32,250,531, plus strand): 5'-CTGGCTCATGAGACGTCAATAAACTGCTGAGTCTTCGTCCTGCTGTGTACTCCTGGAATG[A>G]CTTGTGAAAGAATTTATACTTTGGCTTGAACCTTTGAGCTGTATATTTACAGAGGAGCCC-3'
Protein context (NP_001186067.1, residues 435-455): FKPKYKFFHK[Ser445Pro]FQEYTAGRRL

ClinVar aggregate classification (germline): Pathogenic/Likely pathogenic. Review status: criteria provided, multiple submitters, no conflicts (2 of 4 stars). 2 submissions from 2 submitters: Pathogenic (1); Likely pathogenic (1). Last evaluated 2024-11-30.

Conditions:
Periodic fever-infantile enterocolitis-autoinflammatory syndrome. Also called: Autoinflammation with infantile enterocolitis. Identifiers: Orphanet 436166, MedGen C4015067, MONDO:0014472, OMIM 616050.
Familial cold autoinflammatory syndrome 4 (FCAS4). Identifiers: Orphanet 47045, Orphanet 576349, MedGen C4015276, MONDO:0014498, OMIM 616115.

Submissions (2):

Labcorp Genetics (formerly Invitae), Labcorp
Classification: Pathogenic for Periodic fever-infantile enterocolitis-autoinflammatory syndrome; Familial cold autoinflammatory syndrome 4. Last evaluated: 2024-11-30. Review status: criteria provided, single submitter. Criteria: Invitae Variant Classification Sherloc (09022015). Collection method: clinical testing. Allele origin: germline.
Comment: This sequence change replaces serine, which is neutral and polar, with proline, which is neutral and non-polar, at codon 445 of the NLRC4 protein (p.Ser445Pro). This variant is not present in population databases (gnomAD no frequency). This missense change has been observed in individual(s) with NLRC4-related conditions (PMID: 27203668, 36797819). It has also been observed to segregate with disease in related individuals. ClinVar contains an entry for this variant (Variation ID: 1804623). Invitae Evidence Modeling of protein sequence and biophysical properties (such as structural, functional, and spatial information, amino acid conservation, physicochemical variation, residue mobility, and thermodynamic stability) indicates that this missense variant is expected to disrupt NLRC4 protein function with a positive predictive value of 80%. Experimental studies have shown that this missense change affects NLRC4 function (PMID: 36797819). For these reasons, this variant has been classified as Pathogenic.

GeneDx
Classification: Likely pathogenic. Last evaluated: 2022-12-20. Review status: criteria provided, single submitter. Criteria: GeneDx Variant Classification Process June 2021. Collection method: clinical testing. Allele origin: germline. Affected: yes.
Comment: Not observed at significant frequency in large population cohorts (gnomAD); In silico analysis supports that this missense variant does not alter protein structure/function; This variant is associated with the following publications: (PMID: 32537258, 34672126, 34248956, 27203668)

Literature cited by the submitters: PubMed 27203668 (cited by Labcorp Genetics (formerly Invitae), Labcorp); PubMed 36797819 (cited by Labcorp Genetics (formerly Invitae), Labcorp).